The following is an entry in ClinVar:

NM_000346.4(SOX9):c.436C>A (p.Leu146Met)

Gene: SOX9 (SRY-box transcription factor 9; plus strand). Cytogenetic location: 17q24.3.
Variant type: single nucleotide variant.
Coding change: c.436C>A on transcript NM_000346.4 (MANE Select); coding-DNA position 436, C replaced by A.
Protein change: p.Leu146Met; replaces leucine 146 with methionine.
Molecular consequence: missense variant.
Genome position (GRCh38, 1-based): chr17:72,122,723, C>A. VCF-style: chr17-72122723-C-A. GRCh37 (hg19) VCF-style: chr17-70118864-C-A.
Other names: short protein forms L146M.
Identifiers: ClinVar variation 3705219 (VCV003705219.2).

ClinVar aggregate classification (germline): Uncertain significance (1 of 4 stars; one submission).

Conditions:
Camptomelic dysplasia (CMPD). Also called: Campomelic Dysplasia; CMPD1/SRA1. Identifiers: Orphanet 140, MedGen C1861922, MONDO:0007251, OMIM 114290.

Submission:

Labcorp Genetics (formerly Invitae), Labcorp
Classification: Uncertain significance for Camptomelic dysplasia. Last evaluated: 2025-05-28. Review status: criteria provided, single submitter. Criteria: Invitae Variant Classification Sherloc (09022015). Collection method: clinical testing. Allele origin: germline.
Comment: This sequence change replaces leucine, which is neutral and non-polar, with methionine, which is neutral and non-polar, at codon 146 of the SOX9 protein (p.Leu146Met). This variant is not present in population databases (gnomAD no frequency). This variant has not been reported in the literature in individuals affected with SOX9-related conditions. ClinVar contains an entry for this variant (Variation ID: 3705219). Invitae Evidence Modeling of protein sequence and biophysical properties (such as structural, functional, and spatial information, amino acid conservation, physicochemical variation, residue mobility, and thermodynamic stability) has been performed for this missense variant. However, the output from this modeling did not meet the statistical confidence thresholds required to predict the impact of this variant on SOX9 protein function. In summary, the available evidence is currently insufficient to determine the role of this variant in disease. Therefore, it has been classified as a Variant of Uncertain Significance.